The following is an entry in ClinVar:

ClinVar aggregate classification (germline): Pathogenic/Likely pathogenic. Review status: criteria provided, multiple submitters, no conflicts (2 of 4 stars). 2 submissions from 2 submitters: Pathogenic (1); Likely pathogenic (1). Last evaluated 2020-03-18.

Conditions:
KCNQ1-related disorder. Also called: KCNQ1-related condition; KCNQ1-related disorders. Identifiers: MedGen CN239322.
Long QT syndrome (LQTS). Identifiers: MedGen C0023976, MeSH D008133, MONDO:0002442. Disease mechanism: loss of function. Inheritance: Various modes of inheritance.

Submissions (2):

Labcorp Genetics (formerly Invitae), Labcorp
Classification: Pathogenic for Long QT syndrome. Last evaluated: 2020-03-18. Review status: criteria provided, single submitter. Criteria: Invitae Variant Classification Sherloc (09022015). Collection method: clinical testing. Allele origin: germline.
Comment: This variant has not been reported in the literature in individuals with KCNQ1-related conditions. Algorithms developed to predict the effect of sequence changes on RNA splicing suggest that this variant may create or strengthen a splice site, but this prediction has not been confirmed by published transcriptional studies. Loss-of-function variants in KCNQ1 are known to be pathogenic (PMID: 9323054, 19862833). For these reasons, this variant has been classified as Pathogenic. This variant is not present in population databases (ExAC no frequency). This sequence change creates a premature translational stop signal (p.Trp120*) in the KCNQ1 gene. It is expected to result in an absent or disrupted protein product.

Blueprint Genetics
Classification: Likely pathogenic for KCNQ1-related disorders. Last evaluated: 2018-07-25. Review status: criteria provided, single submitter. Criteria: ACMG Guidelines, 2015. Collection method: clinical testing. Allele origin: germline. Affected: yes. Observed: 1 variant allele.

Literature cited by the submitters: PubMed 9323054 (cited by Labcorp Genetics (formerly Invitae), Labcorp); PubMed 19862833 (cited by Labcorp Genetics (formerly Invitae), Labcorp).

NM_000218.3(KCNQ1):c.359G>A (p.Trp120Ter)

Gene: KCNQ1 (potassium voltage-gated channel subfamily Q member 1; plus strand). Cytogenetic location: 11p15.5.
Variant type: single nucleotide variant.
Coding change: c.359G>A on transcript NM_000218.3 (MANE Select); coding-DNA position 359, G replaced by A.
Protein change: p.Trp120Ter; replaces tryptophan 120 with a stop codon.
Molecular consequence: nonsense.
Genome position (GRCh38, 1-based): chr11:2,445,457, G>A. VCF-style: chr11-2445457-G-A. GRCh37 (hg19) VCF-style: chr11-2466687-G-A.
Other names: short protein forms W120*.
Identifiers: ClinVar variation 1074347 (VCV001074347.8), dbSNP rs2133560305, ClinGen allele CA379117688.
Genomic context (GRCh38, chr11:2,445,457, plus strand): 5'-TGTTGGCGCGCACCCACGTCCAGGGCCGCGTCTACAACTTCCTCGAGCGTCCCACCGGCT[G>A]GAAATGCTTCGTTTACCACTTCGCCGTGTGAGTATCGCCACCGGCGACGGCCGGCACGAA-3'